The following is an entry in ClinVar:

NM_001849.4(COL6A2):c.855+1G>A

Gene: COL6A2 (collagen type VI alpha 2 chain; plus strand). Cytogenetic location: 21q22.3.
Variant type: single nucleotide variant.
Coding change: c.855+1G>A on transcript NM_001849.4 (MANE Select); the canonical splice donor site of the intron after coding-DNA position 855, G replaced by A.
Molecular consequence: splice donor variant.
Genome position (GRCh38, 1-based): chr21:46,115,926, G>A. VCF-style: chr21-46115926-G-A. GRCh37 (hg19) VCF-style: chr21-47535840-G-A.
Other names: c.855+1G>A (NM_058175.3, NM_058174.3).
Identifiers: ClinVar variation 372791 (VCV000372791.9), dbSNP rs1057517988, ClinGen allele CA16043243.

ClinVar aggregate classification (germline): Pathogenic. Review status: criteria provided, multiple submitters, no conflicts (2 of 4 stars). 3 submissions from 3 submitters: Pathogenic (3). Last evaluated 2022-10-05.

Conditions:
Bethlem myopathy 1A. Also called: Bethlem myopathy 1; Bethlem Muscular Dystrophy; MYOPATHY, BENIGN CONGENITAL, WITH CONTRACTURES. Identifiers: Orphanet 610, MedGen CN029274, MONDO:0024530, OMIM 158810.
COL6A2-related disorder.

Submissions (3):

Blueprint Genetics
Classification: Pathogenic for COL6A2-related disorders. Last evaluated: 2022-10-05. Review status: criteria provided, single submitter. Criteria: ACMG Guidelines, 2015. Collection method: clinical testing. Allele origin: de novo. Affected: yes. Observed: 1 variant allele.

Labcorp Genetics (formerly Invitae), Labcorp
Classification: Pathogenic for Bethlem myopathy 1A. Last evaluated: 2021-09-14. Review status: criteria provided, single submitter. Criteria: Invitae Variant Classification Sherloc (09022015). Collection method: clinical testing. Allele origin: germline.
Comment: This sequence change affects a donor splice site in intron 6 of the COL6A2 gene. It is expected to disrupt RNA splicing. Variants that disrupt the donor or acceptor splice site typically lead to a loss of protein function (PMID: 16199547), and loss-of-function variants in COL6A2 are known to be disease-causing for autosomal recessive COL6A2 conditions (PMID: 21280092, 20976770). However, certain variants affecting donor or acceptor splice sites in the triple helical domain of COL6A2 are expected to result in in-frame exon skipping and have been reported to cause autosomal dominant COL6A2-related conditions (PMID: 18366090). This variant is not present in population databases (ExAC no frequency). This variant has been observed in individual(s) with autosomal dominant Ullrich congenital muscular dystrophy (PMID: 24271325). In at least one individual the variant was observed to be de novo. This variant has been reported in individual(s) with autosomal recessive COL6A2-related muscular dystrophy (PMID: 32065942); however, the role of the variant in this condition is currently unclear. ClinVar contains an entry for this variant (Variation ID: 372791). Algorithms developed to predict the effect of sequence changes on RNA splicing suggest that this variant may disrupt the consensus splice site, but this prediction has not been confirmed by published transcriptional studies. For these reasons, this variant has been classified as Pathogenic.

GeneDx
Classification: Pathogenic. Last evaluated: 2017-09-19. Review status: criteria provided, single submitter. Criteria: GeneDx Variant Classification (06012015). Collection method: clinical testing. Allele origin: germline. Affected: yes.
Comment: The c.855+1G>A variant in the COL6A2 gene has been reported previously as a de novo heterozygous variant in one individual with moderately progressive collagen VI-related myopathy (Brinas et al., 2009). This splice site variant destroys the canonical splice donor site in intron 6. It is predicted to cause abnormal gene splicing, either leading to an abnormal message that is subject to nonsense-mediated mRNA decay, or to an abnormal protein product if the message is used for protein translation. The c.855+1G>A variant was not observed in approximately 6500 individuals of European and African American ancestry in the NHLBI Exome Sequencing Project, indicating it is not a common benign variant in these populations. We interpret c.855+1G>A as a pathogenic variant.

Literature cited by the submitters: PubMed 16199547 (cited by Labcorp Genetics (formerly Invitae), Labcorp); PubMed 21280092 (cited by Labcorp Genetics (formerly Invitae), Labcorp); PubMed 20976770 (cited by Labcorp Genetics (formerly Invitae), Labcorp); PubMed 18366090 (cited by Labcorp Genetics (formerly Invitae), Labcorp); PubMed 24271325 (cited by Labcorp Genetics (formerly Invitae), Labcorp); PubMed 32065942 (cited by Labcorp Genetics (formerly Invitae), Labcorp).